The following is an entry in ClinVar:

ClinVar aggregate classification (germline): Likely benign (0 of 4 stars; one submission).

Conditions:
BMP4-related disorder. Also called: BMP4-related condition.

Allele frequency attached by ClinVar (database versions not stated): gnomAD exomes 0.00001; TOPMed 0.00002; gnomAD 0.00003.

Submission:

PreventionGenetics, part of Exact Sciences
Classification: Likely benign for BMP4-related condition. Last evaluated: 2019-07-24. Review status: no assertion criteria provided. Collection method: clinical testing. Allele origin: germline.
Comment: This variant is classified as likely benign based on ACMG/AMP sequence variant interpretation guidelines (Richards et al. 2015 PMID: 25741868, with internal and published modifications).

NM_001202.6(BMP4):c.-335G>C

Genes: BMP4 (bone morphogenetic protein 4; minus strand), LOC109433677 (BMP4 promoter region; plus strand). Cytogenetic location: 14q22.2.
Variant type: single nucleotide variant.
Coding change: c.-335G>C on transcript NM_001202.6 (MANE Select); 335 bases upstream of the start codon, G replaced by C.
Molecular consequence: 5 prime UTR variant. On other transcripts: intron variant (2).
Genome position (GRCh38, 1-based): chr14:53,956,752, C>G on the plus strand (G>C on the coding strand, the complement: BMP4 is on the minus strand). VCF-style: chr14-53956752-C-G. GRCh37 (hg19) VCF-style: chr14-54423470-C-G.
Other names: c.-471G>C (NM_001347913.2); c.62+7G>C (NM_001347912.1); c.-133+7G>C (NM_130850.5).
Identifiers: ClinVar variation 3050720 (VCV003050720.2), dbSNP rs988140396, ClinGen allele CA261473352.
Genomic context (GRCh38, chr14:53,956,752, plus strand): 5'-TAGATACTCAGCCGGAGCAGCAGCGGCGTCTCAGGCTCGCGTCCCTCAGCTCGGATGCCA[C>G]ACTCACCTAGCTTCCGGGCCGGGCTCCGCGCTCCTTCCCTCCCTCCCTCCTCCTCTGCCT-3'